The following is an entry in ClinVar:

ClinVar aggregate classification (germline): Uncertain significance (1 of 4 stars; one submission).

Submission:

Greenwood Genetic Center Diagnostic Laboratories, Greenwood Genetic Center
Classification: Uncertain significance. Last evaluated: 2024-08-16. Review status: criteria provided, single submitter. Criteria: ACMG Guidelines, 2015. Collection method: clinical testing. Allele origin: germline. Affected: yes.
Comment: Gene of Uncertain Significance

NM_033656.4(BRWD1):c.3490dup (p.Glu1164fs)

Gene: BRWD1 (bromodomain and WD repeat domain containing 1; minus strand). Cytogenetic location: 21q22.2.
Variant type: Duplication.
Coding change: c.3490dup on transcript NM_033656.4 (MANE Select); coding-DNA position 3490, one base duplicated (G; older notation c.3490dupG).
Protein change: p.Glu1164fs; shifts the reading frame from glutamic acid 1164.
Molecular consequence: frameshift variant.
Genome position (GRCh38, 1-based): chr21:39,218,553, C duplicated on the plus strand (G on the coding strand, the reverse complement: BRWD1 is on the minus strand). VCF-style (leftmost placement, unchanged base first): chr21-39218552-T-TC. GRCh37 (hg19) VCF-style: chr21-40590478-T-TC.
Other names: c.3490dup, p.Glu1164fs (NM_018963.5); short protein forms E1164fs.
Identifiers: ClinVar variation 3765594 (VCV003765594.1).
Genomic context (GRCh38, chr21:39,218,552, plus strand): 5'-ATAAAAAACTTACCAAGATTCAAAAGTTGATCTATACCACTGATAATTCTATCACATTCT[T>TC]CATCTCTTGATTTCTGACCCCATTCACCAGCTTGTGGTTTATAGAGCAATTTCTCTAGCT-3'